The following is an entry in ClinVar:

ClinVar aggregate classification (germline): Uncertain significance. Review status: criteria provided, multiple submitters, no conflicts (2 of 4 stars). 2 submissions from 2 submitters: Uncertain significance (2). Last evaluated 2023-11-20.

Conditions:
Cryptosporidiosis-chronic cholangitis-liver disease syndrome. Also called: IL21R immunodeficiency; Immunodeficiency type 56. Identifiers: Orphanet 357329, MedGen C3554687, MONDO:0014082, OMIM 615207.
Inborn genetic diseases. Identifiers: MedGen C0950123, MeSH D030342.

Allele frequency attached by ClinVar (database versions not stated): gnomAD exomes 0.00001 and 0.00004; ExAC 0.00006; ESP Exome Variant Server 0.00015.
gnomAD v4.1: 24 of 1,613,356 alleles (0.0015%); highest among the groups gnomAD compares: East Asian, 0.018%; no homozygotes.

Submissions (2):

Labcorp Genetics (formerly Invitae), Labcorp
Classification: Uncertain significance for Cryptosporidiosis-chronic cholangitis-liver disease syndrome. Last evaluated: 2023-11-20. Review status: criteria provided, single submitter. Criteria: Invitae Variant Classification Sherloc (09022015). Collection method: clinical testing. Allele origin: germline.
Comment: This sequence change replaces aspartic acid, which is acidic and polar, with asparagine, which is neutral and polar, at codon 22 of the IL21R protein (p.Asp22Asn). This variant is present in population databases (rs149169230, gnomAD 0.009%). This variant has not been reported in the literature in individuals affected with IL21R-related conditions. ClinVar contains an entry for this variant (Variation ID: 944831). Advanced modeling of protein sequence and biophysical properties (such as structural, functional, and spatial information, amino acid conservation, physicochemical variation, residue mobility, and thermodynamic stability) performed at Invitae indicates that this missense variant is not expected to disrupt IL21R protein function with a negative predictive value of 80%. In summary, the available evidence is currently insufficient to determine the role of this variant in disease. Therefore, it has been classified as a Variant of Uncertain Significance.

Ambry Genetics
Classification: Uncertain significance for Inborn genetic diseases. Last evaluated: 2022-10-12. Review status: criteria provided, single submitter. Criteria: Ambry Variant Classification Scheme 2023. Collection method: clinical testing. Allele origin: germline.

NM_181078.3(IL21R):c.64G>A (p.Asp22Asn)

Gene: IL21R (interleukin 21 receptor; plus strand). Cytogenetic location: 16p12.1.
Variant type: single nucleotide variant.
Coding change: c.64G>A on transcript NM_181078.3 (MANE Select); coding-DNA position 64, G replaced by A.
Protein change: p.Asp22Asn; replaces aspartic acid 22 with asparagine.
Molecular consequence: missense variant.
Genome position (GRCh38, 1-based): chr16:27,434,361, G>A. VCF-style: chr16-27434361-G-A. GRCh37 (hg19) VCF-style: chr16-27445682-G-A.
Other names: c.64G>A, p.Asp22Asn (NM_021798.4); c.130G>A, p.Asp44Asn (NM_181079.5); c.130G>A (NM_181079.4); short protein forms D22N, D44N.
Identifiers: ClinVar variation 944831 (VCV000944831.9), dbSNP rs149169230, ClinGen allele CA7974861.
Genomic context (GRCh38, chr16:27,434,361, plus strand): 5'-CCCAAGCCACCCCCCACCAAGGCCTCTCTCCCCACTGACCCTCCAGGCTGGGGCTGCCCC[G>A]ACCTCGTCTGCTACACCGATTACCTCCAGACGGTCATCTGCATCCTGGAAATGTGGAACC-3'
Protein context (NP_851564.1, residues 12-32): LLLQGGWGCP[Asp22Asn]LVCYTDYLQT